The following is an entry in ClinVar:

NM_001260.3(CDK8):c.79G>C (p.Val27Leu)

Genes: CDK8 (cyclin dependent kinase 8; plus strand), LOC130009416 (ATAC-STARR-seq lymphoblastoid silent region 5186; plus strand). Cytogenetic location: 13q12.13.
Variant type: single nucleotide variant.
Coding change: c.79G>C on transcript NM_001260.3 (MANE Select); coding-DNA position 79, G replaced by C.
Protein change: p.Val27Leu; replaces valine 27 with leucine.
Molecular consequence: missense variant. On other transcripts: 5 prime UTR variant (1).
Genome position (GRCh38, 1-based): chr13:26,254,720, G>C. VCF-style: chr13-26254720-G-C. GRCh37 (hg19) VCF-style: chr13-26828857-G-C.
Other names: c.79G>C, p.Val27Leu (NM_001318368.2); c.-383G>C (NM_001346501.2); short protein forms V27L.
Identifiers: ClinVar variation 3368754 (VCV003368754.1).
Genomic context (GRCh38, chr13:26,254,720, plus strand): 5'-GTGAAGCTGAGCAGCGAGCGGGAGCGGGTCGAGGACCTGTTTGAATACGAGGGCTGCAAA[G>C]TTGGCCGAGGCACTTATGGTCACGTCTACAAAGCCAAGAGGAAAGATGGGTGAGTGTGTG-3'
Protein context (NP_001251.1, residues 17-37): EDLFEYEGCK[Val27Leu]GRGTYGHVYK

ClinVar aggregate classification (germline): Pathogenic (1 of 4 stars; one submission).

Submission:

GeneDx
Classification: Pathogenic. Last evaluated: 2024-04-22. Review status: criteria provided, single submitter. Criteria: GeneDx Variant Classification Process June 2021. Collection method: clinical testing. Allele origin: germline. Affected: yes.
Comment: Published functional studies demonstrate a significantly reduced STAT1-Ser727 phosphorylation; Not observed at significant frequency in large population cohorts (gnomAD); This variant is associated with the following publications: (PMID: 30905399)